The following is an entry in ClinVar:

NM_024422.6(DSC2):c.2038C>T (p.Arg680Cys)

Gene: DSC2 (desmocollin 2; minus strand). Cytogenetic location: 18q12.1.
Variant type: single nucleotide variant.
Coding change: c.2038C>T on transcript NM_024422.6 (MANE Select); coding-DNA position 2038, C replaced by T.
Protein change: p.Arg680Cys; replaces arginine 680 with cysteine.
Molecular consequence: missense variant.
Genome position (GRCh38, 1-based): chr18:31,071,692, G>A on the plus strand (C>T on the coding strand, the complement: DSC2 is on the minus strand). VCF-style: chr18-31071692-G-A. GRCh37 (hg19) VCF-style: chr18-28651658-G-A.
Other names: c.2038C>T, p.Arg680Cys (NM_004949.5); short protein forms R680C.
Identifiers: ClinVar variation 1332639 (VCV001332639.14), dbSNP rs757253682, ClinGen allele CA034380.

ClinVar aggregate classification (germline): Uncertain significance. Review status: criteria provided, multiple submitters, no conflicts (2 of 4 stars). 3 submissions from 3 submitters: Uncertain significance (3). Last evaluated 2025-11-27.

Conditions:
Familial isolated arrhythmogenic right ventricular dysplasia. Identifiers: Orphanet 217656, MedGen C4274968, MONDO:0016342.
Cardiomyopathy (CMYO). Also called: Cardiomyopathies. Identifiers: Orphanet 167848, MedGen C0878544, MONDO:0004994, HP:0001638. Inheritance: Various modes of inheritance.
Arrhythmogenic right ventricular dysplasia 11. Also called: Arrhythmogenic right ventricular dysplasia 11 with mild palmoplantar keratoderma and woolly hair; Arrhythmogenic Right Ventricular Dysplasia/Cardiomyopathy11; ARRHYTHMOGENIC RIGHT VENTRICULAR DYSPLASIA, FAMILIAL, 11. Identifiers: MedGen C1864850, MONDO:0012506, OMIM 610476.

gnomAD v4.1: 7 of 1,614,074 alleles (0.00043%); highest among the groups gnomAD compares: Admixed American, 0.0017%; no homozygotes.

Submissions (3):

Labcorp Genetics (formerly Invitae), Labcorp
Classification: Uncertain significance for Arrhythmogenic right ventricular dysplasia 11. Last evaluated: 2025-11-27. Review status: criteria provided, single submitter. Criteria: Invitae Variant Classification Sherloc (09022015). Collection method: clinical testing. Allele origin: germline.
Comment: This sequence change replaces arginine, which is basic and polar, with cysteine, which is neutral and slightly polar, at codon 680 of the DSC2 protein (p.Arg680Cys). This variant is present in population databases (rs757253682, gnomAD 0.003%). This variant has not been reported in the literature in individuals affected with DSC2-related conditions. ClinVar contains an entry for this variant (Variation ID: 1332639). Invitae Evidence Modeling of protein sequence and biophysical properties (such as structural, functional, and spatial information, amino acid conservation, physicochemical variation, residue mobility, and thermodynamic stability) indicates that this missense variant is not expected to disrupt DSC2 protein function with a negative predictive value of 80%. In summary, the available evidence is currently insufficient to determine the role of this variant in disease. Therefore, it has been classified as a Variant of Uncertain Significance.

All of Us Research Program, National Institutes of Health
Classification: Uncertain significance for Familial isolated arrhythmogenic right ventricular dysplasia. Last evaluated: 2024-07-10. Review status: criteria provided, single submitter. Criteria: ACMG Guidelines, 2015. Collection method: clinical testing. Allele origin: germline. Inheritance: Autosomal dominant inheritance. Observed: 3 variant alleles, 3 heterozygotes.
Comment: This missense variant replaces arginine with cysteine at codon 680 of the DSC2 protein. Computational prediction suggests that this variant may not impact protein structure and function (internally defined REVEL score threshold <= 0.5, PMID: 27666373). To our knowledge, functional studies have not been reported for this variant. This variant has not been reported in individuals affected with cardiovascular disorders in the literature. This variant has been identified in 3/282306 chromosomes in the general population by the Genome Aggregation Database (gnomAD). The available evidence is insufficient to determine the role of this variant in disease conclusively. Therefore, this variant is classified as a Variant of Uncertain Significance.

This study involves interpretation of variants in research participants for the purpose of population health screening. Participant phenotype was not available at the time of variant classification. Additional details can be found in publication PMID: 35346344, PMCID: PMC8962531

Color Diagnostics, LLC DBA Color Health
Classification: Uncertain significance for Cardiomyopathy. Last evaluated: 2024-06-20. Review status: criteria provided, single submitter. Criteria: ACMG Guidelines, 2015. Collection method: clinical testing. Allele origin: germline.
Comment: This missense variant replaces arginine with cysteine at codon 680 of the DSC2 protein. Computational prediction suggests that this variant may not impact protein structure and function (internally defined REVEL score threshold <= 0.5, PMID: 27666373). To our knowledge, functional studies have not been reported for this variant. This variant has not been reported in individuals affected with DSC2-related disorders in the literature. This variant has been identified in 3/282306 chromosomes in the general population by the Genome Aggregation Database (gnomAD). The available evidence is insufficient to determine the role of this variant in disease conclusively. Therefore, this variant is classified as a Variant of Uncertain Significance.